The following is an entry in ClinVar:

NM_001358530.2(MOCS1):c.*824C>G

Gene: MOCS1 (molybdenum cofactor synthesis 1; minus strand). Cytogenetic location: 6p21.2.
Variant type: single nucleotide variant.
Coding change: c.*824C>G on transcript NM_001358530.2 (MANE Select); 824 bases downstream of the stop codon, C replaced by G.
Molecular consequence: 3 prime UTR variant. On other transcripts: non-coding transcript variant (1).
Genome position (GRCh38, 1-based): chr6:39,905,533, G>C on the plus strand (C>G on the coding strand, the complement: MOCS1 is on the minus strand). VCF-style: chr6-39905533-G-C. GRCh37 (hg19) VCF-style: chr6-39873309-G-C.
Other names: c.*1592C>G (NM_001075098.4, NM_001358533.2, NM_001358534.2 and 1 more transcripts); c.*824C>G (NM_001358529.2, NM_001358531.2).
Identifiers: ClinVar variation 356621 (VCV000356621.5), dbSNP rs11968491, ClinGen allele CA3795707.
Genomic context (GRCh38, chr6:39,905,533, plus strand): 5'-AACTGCAGCAGCTCAGTGCCCTACCCACACAGTGTCTTCATTCTTGCATCTGCAAAGTTG[G>C]CATCGTAGCTTTATTTGTGCGCTGTGAGGGTGAAGGCAATCTATCATCAACTTTTCTTTC-3'

ClinVar aggregate classification (germline): Benign (1 of 4 stars; one submission).

Conditions:
Sulfite oxidase deficiency due to molybdenum cofactor deficiency type A. Also called: Molybdenum Cofactor Deficiency A; Molybdenum cofactor deficiency, complementation group A. Identifiers: Orphanet 308386, Orphanet 833, MedGen C1854988, MONDO:0009643, OMIM 252150.

Allele frequency attached by ClinVar (database versions not stated): TOPMed 0.06108; 1000 Genomes Project 0.06290; 1000 Genomes Project 30x 0.06433; gnomAD 0.06790 and 0.06792; gnomAD exomes 0.07103 and 0.07299; ExAC 0.09378.
gnomAD v4.1: 33,524 of 471,074 alleles (7.1%); highest among the groups gnomAD compares: South Asian, 9.5%; 1,500 homozygotes.

Submission:

Illumina Laboratory Services, Illumina
Classification: Benign for Sulfite oxidase deficiency due to molybdenum cofactor deficiency type A. Last evaluated: 2018-01-13. Review status: criteria provided, single submitter. Criteria: ICSL Variant Classification Criteria 13 December 2019. Collection method: clinical testing. Allele origin: germline.
Comment: This variant was observed in the ICSL laboratory as part of a predisposition screen in an ostensibly healthy population. It had not been previously curated by ICSL or reported in the Human Gene Mutation Database (HGMD: prior to June 1st, 2018), and was therefore a candidate for classification through an automated scoring system. Utilizing variant allele frequency, disease prevalence and penetrance estimates, and inheritance mode, an automated score was calculated to assess if this variant is too frequent to cause the disease. Based on the score and internal cut-off values, a variant classified as benign is not then subjected to further curation. The score for this variant resulted in a classification of benign for this disease.